The following is an entry in ClinVar:

NM_001184880.2(PCDH19):c.2021C>T (p.Ser674Phe)

Gene: PCDH19 (protocadherin 19; minus strand). Cytogenetic location: Xq22.1.
Variant type: single nucleotide variant.
Coding change: c.2021C>T on transcript NM_001184880.2 (MANE Select); coding-DNA position 2021, C replaced by T.
Protein change: p.Ser674Phe; replaces serine 674 with phenylalanine.
Molecular consequence: missense variant.
Genome position (GRCh38, 1-based): chrX:100,406,577, G>A on the plus strand (C>T on the coding strand, the complement: PCDH19 is on the minus strand). VCF-style: chrX-100406577-G-A. GRCh37 (hg19) VCF-style: chrX-99661575-G-A.
Other names: c.2021C>T, p.Ser674Phe (NM_001105243.2, NM_020766.3); short protein forms S674F.
Identifiers: ClinVar variation 3708017 (VCV003708017.2).

ClinVar aggregate classification (germline): Uncertain significance (1 of 4 stars; one submission).

Conditions:
Developmental and epileptic encephalopathy, 9 (DEE9). Also called: Early infantile epileptic encephalopathy 9; PCDH19-Related X-Linked Female-Limited Epilepsy with Mental Retardation; EPILEPSY, FEMALE-RESTRICTED, WITH MENTAL RETARDATION; JUBERG-HELLMAN SYNDROME. Identifiers: Orphanet 101039, Orphanet 2076, MedGen C1848137, MONDO:0010246, OMIM 300088. Disease mechanism: loss of function.

Submission:

Labcorp Genetics (formerly Invitae), Labcorp
Classification: Uncertain significance for Developmental and epileptic encephalopathy, 9. Last evaluated: 2024-04-03. Review status: criteria provided, single submitter. Criteria: Invitae Variant Classification Sherloc (09022015). Collection method: clinical testing. Allele origin: germline.
Comment: This sequence change replaces serine, which is neutral and polar, with phenylalanine, which is neutral and non-polar, at codon 674 of the PCDH19 protein (p.Ser674Phe). This variant is not present in population databases (gnomAD no frequency). This variant has not been reported in the literature in individuals affected with PCDH19-related conditions. Advanced modeling of protein sequence and biophysical properties (such as structural, functional, and spatial information, amino acid conservation, physicochemical variation, residue mobility, and thermodynamic stability) has been performed at Invitae for this missense variant, however the output from this modeling did not meet the statistical confidence thresholds required to predict the impact of this variant on PCDH19 protein function. In summary, the available evidence is currently insufficient to determine the role of this variant in disease. Therefore, it has been classified as a Variant of Uncertain Significance.